The following is an entry in ClinVar:

ClinVar aggregate classification (germline): Uncertain significance. Review status: criteria provided, multiple submitters, no conflicts (2 of 4 stars). 2 submissions from 2 submitters: Uncertain significance (2). Last evaluated 2025-09-19.

Conditions:
Cardiovascular phenotype. Identifiers: MedGen CN230736.

Allele frequency attached by ClinVar (database versions not stated): TOPMed 0.00001; gnomAD exomes 0.00002; ExAC 0.00003; gnomAD 0.00001; ESP Exome Variant Server 0.00008.
gnomAD v4.1: 29 of 1,613,154 alleles (0.0018%); highest among the groups gnomAD compares: Admixed American, 0.005%; no homozygotes.

Submissions (2):

Mayo Clinic Laboratories, Mayo Clinic
Classification: Uncertain significance. Last evaluated: 2025-09-19. Review status: criteria provided, single submitter. Criteria: ACMG Guidelines, 2015. Collection method: clinical testing. Allele origin: germline. Observed: 1 variant allele.

Ambry Genetics
Classification: Uncertain significance for Cardiovascular phenotype. Last evaluated: 2020-08-17. Review status: criteria provided, single submitter. Criteria: Ambry Variant Classification Scheme 2023. Collection method: clinical testing. Allele origin: germline.
Comment: The p.R18235C variant (also known as c.54703C>T), located in coding exon 153 of the TTN gene, results from a C to T substitution at nucleotide position 54703. The arginine at codon 18235 is replaced by cysteine, an amino acid with highly dissimilar properties. This amino acid position is not well conserved in available vertebrate species. In addition, this alteration is predicted to be tolerated by in silico analysis. Since supporting evidence is limited at this time, the clinical significance of this alteration remains unclear.

NM_001267550.2(TTN):c.81898C>T (p.Arg27300Cys)

Genes: TTN (titin; minus strand), TTN-AS1 (TTN antisense RNA 1; plus strand). Cytogenetic location: 2q31.2.
Variant type: single nucleotide variant.
Coding change: c.81898C>T on transcript NM_001267550.2 (MANE Select); coding-DNA position 81898, C replaced by T.
Protein change: p.Arg27300Cys; replaces arginine 27300 with cysteine.
Molecular consequence: missense variant.
Genome position (GRCh38, 1-based): chr2:178,564,234, G>A on the plus strand (C>T on the coding strand, the complement: TTN is on the minus strand). VCF-style: chr2-178564234-G-A. GRCh37 (hg19) VCF-style: chr2-179428961-G-A.
Other names: p.Arg24732Cys; c.76975C>T, p.Arg25659Cys (NM_001256850.1); c.54703C>T, p.Arg18235Cys (NM_003319.4); c.74194C>T, p.Arg24732Cys (NM_133378.4); c.55078C>T, p.Arg18360Cys (NM_133432.3); c.55279C>T, p.Arg18427Cys (NM_133437.4); short protein forms R18235C, R18427C, R24732C, R18360C, R25659C, R27300C.
Identifiers: ClinVar variation 1747745 (VCV001747745.3), dbSNP rs372530032, ClinGen allele CA1989137.